The following is an entry in ClinVar:

NM_001458.5(FLNC):c.2267_2268del (p.Val756fs)

Gene: FLNC (filamin C; plus strand). Cytogenetic location: 7q32.1.
Variant type: Deletion.
Coding change: c.2267_2268del on transcript NM_001458.5 (MANE Select); coding-DNA positions 2267 to 2268, 2 bases deleted (TG; older notation c.2267_2268delTG).
Protein change: p.Val756fs; shifts the reading frame from valine 756.
Molecular consequence: frameshift variant.
Genome position (GRCh38, 1-based): chr7:128,842,576-128,842,577, TG deleted; deleting any 2 consecutive bases within chr7:128,842,575-128,842,577 gives the same sequence; the c. name uses the placement nearest the transcript's 3' end. VCF-style (leftmost placement, unchanged base first): chr7-128842574-GGT-G. GRCh37 (hg19) VCF-style: chr7-128482628-GGT-G.
Other names: c.2267_2268del, p.Val756fs (NM_001127487.2); short protein forms V756fs.
Identifiers: ClinVar variation 4871461 (VCV004871461.1).

ClinVar aggregate classification (germline): Pathogenic (1 of 4 stars; one submission).

Conditions:
Cardiovascular phenotype. Identifiers: MedGen CN230736.

Submission:

Ambry Genetics
Classification: Pathogenic for Cardiovascular phenotype. Last evaluated: 2026-04-30. Review status: criteria provided, single submitter. Criteria: Ambry Variant Classification Scheme 2023. Collection method: clinical testing. Allele origin: germline.
Comment: The c.2267_2268delTG pathogenic mutation, located in coding exon 15 of the FLNC gene, results from a deletion of two nucleotides at nucleotide positions 2267 to 2268, causing a translational frameshift with a predicted alternate stop codon (p.V756Efs*27). This variant is considered to be rare based on population cohorts in the Genome Aggregation Database (gnomAD). This alteration is expected to result in loss of function by premature protein truncation or nonsense-mediated mRNA decay. As such, this alteration is interpreted as a disease-causing mutation for FLNC-related dilated cardiomyopathy; however, its clinical significance for FLNC-related hypertrophic/restrictive cardiomyopathy and/or skeletal myopathy is uncertain.